The following is an entry in ClinVar:

ClinVar aggregate classification (germline): Likely benign. Review status: criteria provided, multiple submitters, no conflicts (2 of 4 stars). 2 submissions from 2 submitters: Likely benign (2). Last evaluated 2023-12-14.

Conditions:
Pseudohypoaldosteronism type 2C (PHA2C). Also called: Pseudohypoaldosteronism Type IIC. Identifiers: Orphanet 757, Orphanet 88940, MedGen C1840391, MONDO:0013778, OMIM 614492.
Neuropathy, hereditary sensory and autonomic, type 2A (HSAN2A). Also called: ACROOSTEOLYSIS, GIACCAI TYPE; ACROOSTEOLYSIS, NEUROGENIC; HSAN IIA; WNK1-Related HSAN2 (HSAN2A); MORVAN DISEASE; NEUROPATHY, CONGENITAL SENSORY. Identifiers: Orphanet 970, MedGen C2752089, MONDO:0024309, OMIM 201300.

Allele frequency attached by ClinVar (database versions not stated): gnomAD exomes below 0.00001; TOPMed below 0.00001; ExAC 0.00001.
gnomAD v4.1: 1 of 1,613,774 alleles (0.000062%); highest among the groups gnomAD compares: Admixed American, 0.0017%; no homozygotes.

Submissions (2):

Labcorp Genetics (formerly Invitae), Labcorp
Classification: Likely benign for Neuropathy, hereditary sensory and autonomic, type 2A; Pseudohypoaldosteronism type 2C. Last evaluated: 2023-12-14. Review status: criteria provided, single submitter. Criteria: Invitae Variant Classification Sherloc (09022015). Collection method: clinical testing. Allele origin: germline.

GeneDx
Classification: Likely benign. Last evaluated: 2018-06-18. Review status: criteria provided, single submitter. Criteria: GeneDx Variant Classification (06012015). Collection method: clinical testing. Allele origin: germline. Affected: yes.
Comment: This variant is considered likely benign or benign based on one or more of the following criteria: it is a conservative change, it occurs at a poorly conserved position in the protein, it is predicted to be benign by multiple in silico algorithms, and/or has population frequency not consistent with disease.

NM_213655.5(WNK1):c.3201T>C (p.Gly1067=)

Gene: WNK1 (WNK lysine deficient protein kinase 1; plus strand). Cytogenetic location: 12p13.33.
Variant type: single nucleotide variant.
Coding change: c.3201T>C on transcript NM_213655.5 (MANE Plus Clinical); coding-DNA position 3201, T replaced by C.
Protein change: p.Gly1067=; no amino-acid change (glycine 1067 retained).
Molecular consequence: synonymous variant. On other transcripts: intron variant (2).
Genome position (GRCh38, 1-based): chr12:868,672, T>C. VCF-style: chr12-868672-T-C. GRCh37 (hg19) VCF-style: chr12-977838-T-C.
Other names: c.2946T>C, p.Gly982= (NM_001184985.2); c.2140-2593T>C (NM_018979.4, NM_014823.3).
Identifiers: ClinVar variation 672269 (VCV000672269.4), dbSNP rs781082488, ClinGen allele CA6382310.